The following is an entry in ClinVar:

NM_000038.6(APC):c.6281del (p.Pro2094fs)

Gene: APC (APC regulator of Wnt signaling pathway; plus strand). Cytogenetic location: 5q22.2.
Variant type: Deletion.
Coding change: c.6281del on transcript NM_000038.6 (MANE Select); coding-DNA position 6281, one base deleted (C; older notation c.6281delC).
Protein change: p.Pro2094fs; shifts the reading frame from proline 2094.
Molecular consequence: frameshift variant.
Genome position (GRCh38, 1-based): chr5:112,841,875, C deleted; the last of 4 consecutive C bases (chr5:112,841,872-112,841,875); deleting any one gives the same sequence. VCF-style (leftmost placement, unchanged base first): chr5-112841871-TC-T. GRCh37 (hg19) VCF-style: chr5-112177568-TC-T.
Other names: c.6281del, p.Pro2094fs (NM_001127510.3, NM_001354895.2); c.6227del, p.Pro2076fs (NM_001127511.3); c.6335del, p.Pro2112fs (NM_001354896.2); c.6311del, p.Pro2104fs (NM_001354897.2); c.6206del, p.Pro2069fs (NM_001354898.2); c.6197del, p.Pro2066fs (NM_001354899.2); c.6158del, p.Pro2053fs (NM_001354900.2); c.6104del, p.Pro2035fs (NM_001354901.2); and 5 more; short protein forms P1811fs, P2035fs, P1968fs, P1993fs, P2053fs, P2076fs, P1934fs, P2066fs.
Identifiers: ClinVar variation 234047 (VCV000234047.9), dbSNP rs876660816, ClinGen allele CA10578425.

ClinVar aggregate classification (germline): Pathogenic/Likely pathogenic. Review status: criteria provided, multiple submitters, no conflicts (2 of 4 stars). 3 submissions from 3 submitters: Pathogenic (2); Likely pathogenic (1). Last evaluated 2025-08-07.

Conditions:
Familial adenomatous polyposis 1 (FAP1). Also called: FAMILIAL ADENOMATOUS POLYPOSIS 1, ATTENUATED; POLYPOSIS, ADENOMATOUS INTESTINAL. Identifiers: MedGen C2713442, MONDO:0021056, OMIM 175100. Disease mechanism: loss of function.
Hereditary cancer-predisposing syndrome. Also called: Neoplastic Syndromes, Hereditary; Tumor predisposition; Hereditary Cancer Syndrome; Hereditary neoplastic syndrome. Identifiers: Orphanet 140162, MedGen C0027672, MeSH D009386, MONDO:0015356.

Submissions (3):

Ambry Genetics
Classification: Likely pathogenic for Hereditary cancer-predisposing syndrome. Last evaluated: 2025-08-07. Review status: criteria provided, single submitter. Criteria: Ambry Variant Classification Scheme 2023. Collection method: clinical testing. Allele origin: germline.
Comment: The c.6281delC variant, located in coding exon 15 of the APC gene, results from a deletion of one nucleotide at nucleotide position 6281, causing a translational frameshift with a predicted alternate stop codon (p.P2094Lfs*18). This alteration occurs at the 3' terminus of APC gene, is not expected to trigger nonsense-mediated mRNA decay, and impacts the last 26% of the protein. However, premature stop codons are typically deleterious in nature and a significant portion of the protein is affected (Ambry internal data). This variant is considered to be rare based on population cohorts in the Genome Aggregation Database (gnomAD). Based on the majority of available evidence to date, this variant is likely to be pathogenic.

Myriad Genetics, Inc.
Classification: Pathogenic for Familial adenomatous polyposis 1. Last evaluated: 2023-05-15. Review status: criteria provided, single submitter. Criteria: Myriad Autosomal Dominant, Autosomal Recessive and X-Linked Classification Criteria (2023). Collection method: clinical testing. Allele origin: unknown.
Comment: This variant is considered pathogenic. This variant creates a frameshift predicted to result in premature protein truncation.

GeneDx
Classification: Pathogenic. Last evaluated: 2015-11-19. Review status: criteria provided, single submitter. Criteria: GeneDx Variant Classification (06012015). Collection method: clinical testing. Allele origin: germline. Affected: yes.
Comment: This deletion of one nucleotide in APC is denoted c.6281delC at the cDNA level and p.Pro2094LeufsX18(P2094LfsX18) at the protein level. The normal sequence, with the base that is deleted in braces, is TCCC[C]TGAT. The deletion causes a frameshift, which changes a Proline to a Leucine at codon 2094, and creates a premature stop codon at position 18 of the new reading frame. Although this variant has not, to our knowledge, been reported in the literature, it is predicted to cause loss of normal protein function through either protein truncation or nonsense-mediated mRNA decay. We consider this variant to be pathogenic.